The following is an entry in ClinVar:

ClinVar aggregate classification (germline): Uncertain significance (1 of 4 stars; one submission).

Submission:

Labcorp Genetics (formerly Invitae), Labcorp
Classification: Uncertain significance. Last evaluated: 2023-12-15. Review status: criteria provided, single submitter. Criteria: Invitae Variant Classification Sherloc (09022015). Collection method: clinical testing. Allele origin: unknown.
Comment: This variant is a gross deletion of the genomic region encompassing exon(s) 2-4 of the FLNB gene. This variant would be expected to be in-frame, preserving the integrity of the reading frame. This variant has not been reported in the literature in individuals affected with FLNB-related conditions. In summary, the available evidence is currently insufficient to determine the role of this variant in disease. Therefore, it has been classified as a Variant of Uncertain Significance.

NC_000003.11:g.(?_58062753)_(58067523_?)del

Gene: FLNB (filamin B; plus strand). Cytogenetic location: 3p14.3.
Variant type: Deletion.
Identifiers: ClinVar variation 3246975 (VCV003246975.1).